The following is an entry in ClinVar:

ClinVar aggregate classification (germline): Uncertain significance. Review status: criteria provided, multiple submitters, no conflicts (2 of 4 stars). 5 submissions from 5 submitters: Uncertain significance (5). Last evaluated 2026-02-27.

Conditions:
Inborn genetic diseases. Identifiers: MedGen C0950123, MeSH D030342.
Joubert syndrome 7 (JBTS7). Identifiers: Orphanet 220497, MedGen C1969053, MONDO:0012694, OMIM 611560.
COACH syndrome 3. Identifiers: MedGen C5436841, MONDO:0030862, OMIM 619113.
Meckel syndrome, type 5 (MKS5). Identifiers: Orphanet 564, MedGen C1969052, MONDO:0012695, OMIM 611561.
RPGRIP1L-related disorder. Also called: RPGRIP1L-related disorders; RPGRIP1L-related condition. Identifiers: MedGen CN239416.
Joubert syndrome. Also called: Familial aplasia of the vermis; JOUBERT-BOLTSHAUSER SYNDROME. Identifiers: Orphanet 475, MedGen C5979921, MONDO:0018772.
Meckel-Gruber syndrome. Also called: Dysencephalia splachnocystica; DYSENCEPHALIA SPLANCHNOCYSTICA; GRUBER SYNDROME. Identifiers: Orphanet 564, MedGen C0265215, MONDO:0018921.

Allele frequency attached by ClinVar (database versions not stated): ExAC 0.00004; gnomAD 0.00005; TOPMed 0.00005; gnomAD exomes 0.00014.
gnomAD v4.1: 212 of 1,614,038 alleles (0.013%); highest among the groups gnomAD compares: Non-Finnish European, 0.017%; no homozygotes.

Submissions (5):

PreventionGenetics, part of Exact Sciences
Classification: Uncertain significance for RPGRIP1L-related condition. Last evaluated: 2026-02-27. Review status: criteria provided, single submitter. Criteria: ACMG Guidelines, 2015. Collection method: clinical testing. Allele origin: germline.
Comment: The RPGRIP1L c.3829A>G variant is predicted to result in the amino acid substitution p.Ile1277Val. To our knowledge, this variant has not been reported in the literature. This variant is reported in 0.0085% of alleles in individuals of European (Non-Finnish) descent in gnomAD. At this time, the clinical significance of this variant is uncertain due to the absence of conclusive functional and genetic evidence.

Labcorp Genetics (formerly Invitae), Labcorp
Classification: Uncertain significance for Joubert syndrome; Meckel-Gruber syndrome. Last evaluated: 2024-10-08. Review status: criteria provided, single submitter. Criteria: Invitae Variant Classification Sherloc (09022015). Collection method: clinical testing. Allele origin: germline.
Comment: This sequence change replaces isoleucine, which is neutral and non-polar, with valine, which is neutral and non-polar, at codon 1277 of the RPGRIP1L protein (p.Ile1277Val). This variant is present in population databases (rs770410795, gnomAD 0.009%). This variant has not been reported in the literature in individuals affected with RPGRIP1L-related conditions. ClinVar contains an entry for this variant (Variation ID: 2041138). Invitae Evidence Modeling of protein sequence and biophysical properties (such as structural, functional, and spatial information, amino acid conservation, physicochemical variation, residue mobility, and thermodynamic stability) indicates that this missense variant is not expected to disrupt RPGRIP1L protein function with a negative predictive value of 80%. In summary, the available evidence is currently insufficient to determine the role of this variant in disease. Therefore, it has been classified as a Variant of Uncertain Significance.

Blueprint Genetics
Classification: Uncertain significance. Last evaluated: 2024-08-13. Review status: criteria provided, single submitter. Criteria: ACMG Guidelines, 2015. Collection method: clinical testing. Allele origin: germline.

Fulgent Genetics
Classification: Uncertain significance for Joubert syndrome 7; Meckel syndrome, type 5; COACH syndrome 3. Last evaluated: 2024-03-05. Review status: criteria provided, single submitter. Criteria: ACMG Guidelines, 2015. Collection method: clinical testing. Allele origin: germline.

Ambry Genetics
Classification: Uncertain significance for Inborn genetic diseases. Last evaluated: 2021-08-16. Review status: criteria provided, single submitter. Criteria: Ambry Variant Classification Scheme 2023. Collection method: clinical testing. Allele origin: germline.

NM_015272.5(RPGRIP1L):c.3829A>G (p.Ile1277Val)

Gene: RPGRIP1L (RPGRIP1 like; minus strand). Cytogenetic location: 16q12.2.
Variant type: single nucleotide variant.
Coding change: c.3829A>G on transcript NM_015272.5 (MANE Select); coding-DNA position 3829, A replaced by G.
Protein change: p.Ile1277Val; replaces isoleucine 1277 with valine.
Molecular consequence: missense variant.
Genome position (GRCh38, 1-based): chr16:53,605,487, T>C on the plus strand (A>G on the coding strand, the complement: RPGRIP1L is on the minus strand). VCF-style: chr16-53605487-T-C. GRCh37 (hg19) VCF-style: chr16-53639399-T-C.
Other names: c.3829A>G (NM_015272.4); c.3589A>G, p.Ile1197Val (NM_001127897.4); c.3691A>G, p.Ile1231Val (NM_001308334.3); c.3727A>G, p.Ile1243Val (NM_001330538.2); short protein forms I1231V, I1197V, I1243V, I1277V.
Identifiers: ClinVar variation 2041138 (VCV002041138.8), dbSNP rs770410795, ClinGen allele CA8057172.